The following is an entry in ClinVar:

NM_001271.4(CHD2):c.3521G>A (p.Gly1174Asp)

Gene: CHD2 (chromodomain helicase DNA binding protein 2; plus strand). Cytogenetic location: 15q26.1.
Variant type: single nucleotide variant.
Coding change: c.3521G>A on transcript NM_001271.4 (MANE Select); coding-DNA position 3521, G replaced by A.
Protein change: p.Gly1174Asp; replaces glycine 1174 with aspartic acid.
Molecular consequence: missense variant.
Genome position (GRCh38, 1-based): chr15:92,992,924, G>A. VCF-style: chr15-92992924-G-A. GRCh37 (hg19) VCF-style: chr15-93536154-G-A.
Other names: short protein forms G1174D.
Identifiers: ClinVar variation 1223175 (VCV001223175.3), dbSNP rs2141861645, ClinGen allele CA393896658.

ClinVar aggregate classification (germline): Likely pathogenic (1 of 4 stars; one submission).

Submission:

GeneDx
Classification: Likely pathogenic. Last evaluated: 2019-02-14. Review status: criteria provided, single submitter. Criteria: GeneDx Variant Classification Process June 2021. Collection method: clinical testing. Allele origin: germline. Affected: yes.
Comment: In silico analysis, which includes protein predictors and evolutionary conservation, supports a deleterious effect; Not observed in large population cohorts (Lek et al., 2016); This variant is associated with the following publications: (PMID: 31981491, 28714951, 31332282, 28191890, 27824329)